The following is an entry in ClinVar:

NM_000388.4(CASR):c.2998G>A (p.Ala1000Thr)

Gene: CASR (calcium sensing receptor; plus strand). Cytogenetic location: 3q21.1.
Variant type: single nucleotide variant.
Coding change: c.2998G>A on transcript NM_000388.4 (MANE Select); coding-DNA position 2998, G replaced by A.
Protein change: p.Ala1000Thr; replaces alanine 1000 with threonine.
Molecular consequence: missense variant.
Genome position (GRCh38, 1-based): chr3:122,284,952, G>A. VCF-style: chr3-122284952-G-A. GRCh37 (hg19) VCF-style: chr3-122003799-G-A.
Other names: c.3028G>A, p.Ala1010Thr (NM_001178065.2); c.2998G>A (NM_000388.3); short protein forms A1000T, A1010T.
Identifiers: ClinVar variation 2948844 (VCV002948844.4), dbSNP rs2473283198, ClinGen allele CA354161233.

ClinVar aggregate classification (germline): Uncertain significance. Review status: criteria provided, multiple submitters, no conflicts (2 of 4 stars). 2 submissions from 2 submitters: Uncertain significance (2). Last evaluated 2023-05-07.

Conditions:
Autosomal dominant hypocalcemia 1 (HYPOC1). Also called: HYPOCALCEMIA, FAMILIAL. Identifiers: MedGen C3715128, MONDO:0011013, OMIM 601198.
Familial hypocalciuric hypercalcemia (FHH). Also called: Familial benign hypercalcemia. Identifiers: Orphanet 405, MedGen C1809471, MONDO:0018458.
Nephrolithiasis/nephrocalcinosis. Identifiers: MedGen CN580796.

Allele frequency attached by ClinVar (database versions not stated): gnomAD exomes below 0.00001.
gnomAD v4.1: 1 of 1,614,170 alleles (0.000062%); highest among the groups gnomAD compares: Non-Finnish European, 0.000085%; no homozygotes.

Submissions (2):

Ambry Genetics
Classification: Uncertain significance for Nephrolithiasis/nephrocalcinosis. Last evaluated: 2023-05-07. Review status: criteria provided, single submitter. Criteria: Ambry Variant Classification Scheme 2023. Collection method: clinical testing. Allele origin: germline.
Comment: The p.A1000T variant (also known as c.2998G>A), located in coding exon 6 of the CASR gene, results from a G to A substitution at nucleotide position 2998. The alanine at codon 1000 is replaced by threonine, an amino acid with similar properties. This amino acid position is conserved. In addition, this alteration is predicted to be tolerated by in silico analysis. Since supporting evidence is limited at this time, the clinical significance of this alteration remains unclear.

Labcorp Genetics (formerly Invitae), Labcorp
Classification: Uncertain significance for Familial hypocalciuric hypercalcemia; Autosomal dominant hypocalcemia 1. Last evaluated: 2023-03-26. Review status: criteria provided, single submitter. Criteria: Invitae Variant Classification Sherloc (09022015). Collection method: clinical testing. Allele origin: germline.
Comment: In summary, the available evidence is currently insufficient to determine the role of this variant in disease. Therefore, it has been classified as a Variant of Uncertain Significance. Algorithms developed to predict the effect of missense changes on protein structure and function output the following: SIFT: "Not Available"; PolyPhen-2: "Benign"; Align-GVGD: "Not Available". The threonine amino acid residue is found in multiple mammalian species, which suggests that this missense change does not adversely affect protein function. This variant has not been reported in the literature in individuals affected with CASR-related conditions. This variant is not present in population databases (gnomAD no frequency). This sequence change replaces alanine, which is neutral and non-polar, with threonine, which is neutral and polar, at codon 1000 of the CASR protein (p.Ala1000Thr).